The following is an entry in ClinVar:

NM_001386298.1(CIC):c.1628C>T (p.Ala543Val)

Gene: CIC (capicua transcriptional repressor; plus strand). Cytogenetic location: 19q13.2.
Variant type: single nucleotide variant.
Coding change: c.1628C>T on transcript NM_001386298.1 (MANE Select); coding-DNA position 1628, C replaced by T.
Protein change: p.Ala543Val; replaces alanine 543 with valine.
Molecular consequence: missense variant.
Genome position (GRCh38, 1-based): chr19:42,273,411, C>T. VCF-style: chr19-42273411-C-T. GRCh37 (hg19) VCF-style: chr19-42777563-C-T.
Other names: c.1628C>T, p.Ala543Val (NM_001304815.2, NM_001379480.1, NM_001379482.1 and 1 more transcripts); short protein forms A543V.
Identifiers: ClinVar variation 3033316 (VCV003033316.2), dbSNP rs558660943, ClinGen allele CA9471569.

ClinVar aggregate classification (germline): Likely benign (0 of 4 stars; one submission).

Conditions:
CIC-related disorder. Also called: CIC-related condition.

Allele frequency attached by ClinVar (database versions not stated): gnomAD exomes 0.00009; 1000 Genomes Project 0.00020; 1000 Genomes Project 30x 0.00031; gnomAD 0.00045; TOPMed 0.00058.
gnomAD v4.1: 91 of 398,224 alleles (0.023%); highest among the groups gnomAD compares: African/African-American, 0.15%; no homozygotes.

Submission:

PreventionGenetics, part of Exact Sciences
Classification: Likely benign for CIC-related condition. Last evaluated: 2022-02-23. Review status: no assertion criteria provided. Collection method: clinical testing. Allele origin: germline.
Comment: This variant is classified as likely benign based on ACMG/AMP sequence variant interpretation guidelines (Richards et al. 2015 PMID: 25741868, with internal and published modifications).